The following is an entry in ClinVar:

ClinVar aggregate classification (germline): Likely benign. Review status: criteria provided, multiple submitters, no conflicts (2 of 4 stars). 3 submissions from 3 submitters: Likely benign (2). 1 of the submissions does not count toward it. Last evaluated 2025-11-10.

Conditions:
Dyskeratosis congenita. Identifiers: Orphanet 1775, MedGen C0265965, MONDO:0015780.
TERT-related disorder. Also called: TERT-related condition; TERT-related disorders.
Idiopathic Pulmonary Fibrosis. Also called: Idiopathic fibrosing alveolitis, chronic form; idiopathic fibrosing alveolitis. Identifiers: Orphanet 2032, MedGen C1800706, MeSH D054990, MONDO:0800504.
Dyskeratosis congenita, autosomal dominant 2. Identifiers: MedGen C3151443, MONDO:0013521, OMIM 613989.

Allele frequency attached by ClinVar (database versions not stated): gnomAD exomes 0.00001 and 0.00003; ExAC 0.00002; gnomAD 0.00003; TOPMed 0.00003.
gnomAD v4.1: 22 of 1,614,054 alleles (0.0014%); highest among the groups gnomAD compares: Admixed American, 0.0083%; no homozygotes.

Submissions (3):

Labcorp Genetics (formerly Invitae), Labcorp
Classification: Likely benign for Dyskeratosis congenita, autosomal dominant 2; Idiopathic Pulmonary Fibrosis. Last evaluated: 2025-11-10. Review status: criteria provided, single submitter. Criteria: Invitae Variant Classification Sherloc (09022015). Collection method: clinical testing. Allele origin: germline.

Ambry Genetics
Classification: Likely benign for Dyskeratosis congenita. Last evaluated: 2022-02-12. Review status: criteria provided, single submitter. Criteria: Ambry Variant Classification Scheme 2023. Collection method: clinical testing. Allele origin: germline.

PreventionGenetics, part of Exact Sciences
Classification: Likely benign for TERT-related condition. Last evaluated: 2021-09-14. Review status: no assertion criteria provided. Collection method: clinical testing. Allele origin: germline. Not counted in ClinVar's aggregate classification.
Comment: This variant is classified as likely benign based on ACMG/AMP sequence variant interpretation guidelines (Richards et al. 2015 PMID: 25741868, with internal and published modifications).

NM_198253.3(TERT):c.2235C>T (p.Ala745=)

Gene: TERT (telomerase reverse transcriptase; minus strand). Cytogenetic location: 5p15.33.
Variant type: single nucleotide variant.
Coding change: c.2235C>T on transcript NM_198253.3 (MANE Select); coding-DNA position 2235, C replaced by T.
Protein change: p.Ala745=; no amino-acid change (alanine 745 retained).
Molecular consequence: synonymous variant. On other transcripts: non-coding transcript variant (2).
Genome position (GRCh38, 1-based): chr5:1,278,692, G>A on the plus strand (C>T on the coding strand, the complement: TERT is on the minus strand). VCF-style: chr5-1278692-G-A. GRCh37 (hg19) VCF-style: chr5-1278807-G-A.
Other names: c.2235C>T, p.Ala745= (NM_001193376.3).
Identifiers: ClinVar variation 698701 (VCV000698701.15), dbSNP rs777869512, ClinGen allele CA3184620.